The following is an entry in ClinVar:

NM_000051.4(ATM):c.6976-2A>C

Genes: ATM (ATM serine/threonine kinase; plus strand), C11orf65 (chromosome 11 open reading frame 65; minus strand). Cytogenetic location: 11q22.3.
Variant type: single nucleotide variant.
Coding change: c.6976-2A>C on transcript NM_000051.4 (MANE Select); the canonical splice acceptor site of the intron before coding-DNA position 6976, A replaced by C.
Molecular consequence: splice acceptor variant. On other transcripts: intron variant (2).
Genome position (GRCh38, 1-based): chr11:108,327,643, A>C. VCF-style: chr11-108327643-A-C. GRCh37 (hg19) VCF-style: chr11-108198370-A-C.
Other names: c.6976-2A>C (NM_001351834.2); c.641-18572T>G (NM_001330368.2); c.*38+7577T>G (NM_001351110.2).
Identifiers: ClinVar variation 142355 (VCV000142355.35), dbSNP rs587782403, ClinGen allele CA294376.

ClinVar aggregate classification (germline): Pathogenic. Review status: reviewed by expert panel (3 of 4 stars). 9 submissions from 9 submitters: Pathogenic (1). 8 of the submissions do not count toward it. Last evaluated 2024-11-26.

Conditions:
ATM-related cancer predisposition. Also called: ATM-related cancer susceptibility. Identifiers: MedGen CN377759, MONDO:0700270.
Hereditary cancer-predisposing syndrome. Also called: Neoplastic Syndromes, Hereditary; Hereditary Cancer Syndrome; Tumor predisposition; Hereditary neoplastic syndrome. Identifiers: Orphanet 140162, MedGen C0027672, MeSH D009386, MONDO:0015356.
Familial cancer of breast. Also called: BREAST CANCER, FAMILIAL; hereditary breast carcinoma; Hereditary breast cancer. Identifiers: Orphanet 227535, MedGen C0346153, MONDO:0016419, OMIM 114480. Disease mechanism: loss of function.
Ataxia-telangiectasia syndrome (AT). Also called: Ataxia-telangiectasia, complementation group D; AT, COMPLEMENTATION GROUP C; Ataxia-telangiectasia; ATAXIA-TELANGIECTASIA, COMPLEMENTATION GROUP A; ATAXIA-TELANGIECTASIA, FRESNO VARIANT; Ataxia-telangiectasia, complementation group E. Identifiers: Orphanet 100, MedGen C0004135, MONDO:0008840, OMIM 208900.

gnomAD v4.1: 9 of 1,612,802 alleles (0.00056%); highest among the groups gnomAD compares: Non-Finnish European, 0.00076%; no homozygotes.

Submissions (9):

ClinGen Hereditary Breast, Ovarian and Pancreatic Cancer Variant Curation Expert Panel, ClinGen
Classification: Pathogenic for ATM-related cancer predisposition. Last evaluated: 2024-11-26. Review status: reviewed by expert panel. Criteria: ClinGen HBOP ACMG Specifications ATM V1.3.0. Collection method: curation. Allele origin: germline. Inheritance: Autosomal dominant inheritance.
Comment: The c.6976-2A>C variant in ATM occurs within the canonical splice acceptor site (+/- 1,2) of intron 47. It is predicted to cause skipping of a biologically-relevant-exon, resulting in an in-frame deletion that is predicted to escape nonsense mediated decay. This prediction is confirmed by RNA analysis (PMID: 31843900; Ambry internal data). This variant has been detected in at least 1 individual with Ataxia-Telangiectasia (PMID: 26896183). The highest population minor allele frequency in gnomAD v2.1.1 is 0.0000088 in the European (non-Finnish) population, which is lower than the ClinGen HBOP threshold (≤.00001) for PM2_Supporting, meeting this criterion. In summary, this variant meets criteria to be classified as pathogenic for autosomal dominant ATM-related cancer predisposition and autosomal recessive Ataxia-Telangiectasia based on the ACMG/AMP criteria applied, as specified by the HBOP Variant Curation Expert Panel. (PVS1(RNA), PM3_Supporting, PM2_Supporting)

Labcorp Genetics (formerly Invitae), Labcorp
Classification: Pathogenic for Ataxia-telangiectasia syndrome. Last evaluated: 2025-12-15. Review status: criteria provided, single submitter. Criteria: Invitae Variant Classification Sherloc (09022015). Collection method: clinical testing. Allele origin: germline. Not counted in ClinVar's aggregate classification.
Comment: This sequence change affects an acceptor splice site in intron 47 of the ATM gene. RNA analysis indicates that disruption of this splice site induces altered splicing and likely results in a shortened protein product. This variant is present in population databases (rs587782403, gnomAD 0.0009%). Disruption of this splice site has been observed in individual(s) with ataxia-telangiectasia and/or polyposis and colon cancer (PMID: 26681312, 26896183). ClinVar contains an entry for this variant (Variation ID: 142355). Studies have shown that disruption of this splice site results in skipping of exon 48, but is expected to preserve the integrity of the reading-frame (PMID: 31843900; internal data). For these reasons, this variant has been classified as Pathogenic.

GeneDx
Classification: Pathogenic. Last evaluated: 2025-02-05. Review status: criteria provided, single submitter. Criteria: GeneDx Variant Classification Process June 2021. Collection method: clinical testing. Allele origin: germline. Affected: yes. Not counted in ClinVar's aggregate classification.
Comment: Canonical splice site variant demonstrated to result in aberrant splicing in a gene for which loss of function is a known mechanism of disease (PMID: 31843900); Not observed at significant frequency in large population cohorts (gnomAD); Observed in an individual with a clinical diagnosis of ataxia telangiectasia who harbored a second ATM variant, however phase of these variants was unknown (PMID: 26896183); Observed in individuals with breast cancer and absent in controls (PMID: 28779002); This variant is associated with the following publications: (PMID: 26681312, 18321536, 28152038, 32866655, 33471991, 23532176, 26896183, 28779002, 31843900)

Ambry Genetics
Classification: Likely pathogenic for Hereditary cancer-predisposing syndrome. Last evaluated: 2024-12-17. Review status: criteria provided, single submitter. Criteria: Ambry Variant Classification Scheme 2023. Collection method: clinical testing. Allele origin: germline. Not counted in ClinVar's aggregate classification.
Comment: The c.6976-2A>C intronic variant results from an A to C substitution two nucleotides upstream from coding exon 47 in the ATM gene. This alteration was also reported in 1/60,466 breast cancer cases and in 0/53,461 controls (Dorling et al. N Engl J Med. 2021 02;384:428-439). This variant is considered to be rare based on population cohorts in the Genome Aggregation Database (gnomAD). This nucleotide position is highly conserved in available vertebrate species. In silico splice site analysis predicts that this alteration will weaken the native splice acceptor site. RNA studies have demonstrated that this alteration results in abnormal splicing in the set of samples tested (Casadei S et al. Proc Natl Acad Sci U S A, 2019 Dec; Ambry internal data). Based on the majority of available evidence to date, this variant is likely to be pathogenic.

Baylor Genetics
Classification: Likely pathogenic for Familial cancer of breast. Last evaluated: 2024-03-11. Review status: criteria provided, single submitter. Criteria: ACMG Guidelines, 2015. Collection method: clinical testing. Allele origin: unknown. Not counted in ClinVar's aggregate classification.

Color Diagnostics, LLC DBA Color Health
Classification: Likely pathogenic for Hereditary cancer-predisposing syndrome. Last evaluated: 2020-05-20. Review status: criteria provided, single submitter. Criteria: ACMG Guidelines, 2015. Collection method: clinical testing. Allele origin: germline. Not counted in ClinVar's aggregate classification.
Comment: This variant causes an A to C nucleotide substitution at the -2 position of intron 47 of the ATM gene. Splice site prediction tools predict that this variant may have a significant impact on RNA splicing. Although this prediction has not been confirmed in published RNA studies, this variant is expected to result in an absent or disrupted protein product. To our knowledge, functional studies have not been reported for this variant. This variant has been reported in one individual affected with colorectal cancer (PMID: 26681312). This variant has been identified in 1/250656 chromosomes in the general population by the Genome Aggregation Database (gnomAD). Loss of ATM function is a known mechanism of disease. Based on the available evidence, this variant is classified as Likely Pathogenic.

Revvity Omics, Revvity
Classification: Pathogenic for Ataxia-telangiectasia syndrome. Last evaluated: 2019-05-06. Review status: criteria provided, single submitter. Criteria: ACMG Guidelines, 2015. Collection method: clinical testing. Allele origin: germline. Not counted in ClinVar's aggregate classification.

King Laboratory, University of Washington
Classification: Pathogenic for Familial cancer of breast. Last evaluated: 2019-09-01. Review status: no assertion criteria provided. Collection method: research. Allele origin: germline. Affected: yes. Not counted in ClinVar's aggregate classification.
Comment: Transcript analysis by cBROCA

Counsyl
Classification: Likely pathogenic for Ataxia-telangiectasia syndrome. Last evaluated: 2016-07-05. Review status: no assertion criteria provided. Collection method: clinical testing. Allele origin: unknown. Not counted in ClinVar's aggregate classification.

Literature cited by the submitters: PubMed 26681312 (cited by Labcorp Genetics (formerly Invitae), Labcorp and Ambry Genetics); PubMed 26896183 (cited by Labcorp Genetics (formerly Invitae), Labcorp and Ambry Genetics); PubMed 31843900 (cited by 3 submitters); PubMed 28779002 (cited by Ambry Genetics); PubMed 33471991 (cited by Ambry Genetics).